The following is an entry in ClinVar:

NM_006767.4(LZTR1):c.2497T>C (p.Cys833Arg)

Gene: LZTR1 (leucine zipper like post translational regulator 1; plus strand). Cytogenetic location: 22q11.21.
Variant type: single nucleotide variant.
Coding change: c.2497T>C on transcript NM_006767.4 (MANE Select); coding-DNA position 2497, T replaced by C.
Protein change: p.Cys833Arg; replaces cysteine 833 with arginine.
Molecular consequence: missense variant.
Genome position (GRCh38, 1-based): chr22:20,997,322, T>C. VCF-style: chr22-20997322-T-C. GRCh37 (hg19) VCF-style: chr22-21351611-T-C.
Other names: short protein forms C833R.
Identifiers: ClinVar variation 1792146 (VCV001792146.3), dbSNP rs1924903090, ClinGen allele CA410781907.
Genomic context (GRCh38, chr22:20,997,322, plus strand): 5'-AGCCAGCAGCTGCTGCTGGACATCATAGACTCCCTGGCCTCCCACATCTCAGACAAGCAG[T>C]GCGCAGAGCTGGGCGCCGACATCTGAGGCCCTGTGGCGCCTGCCCATTGTGAAGAATCGC-3'
Protein context (NP_006758.2, residues 823-840): SLASHISDKQ[Cys833Arg]AELGADI

ClinVar aggregate classification (germline): Uncertain significance (1 of 4 stars; one submission).

Conditions:
Hereditary cancer-predisposing syndrome. Also called: Hereditary Cancer Syndrome; Hereditary neoplastic syndrome; Tumor predisposition; Neoplastic Syndromes, Hereditary. Identifiers: Orphanet 140162, MedGen C0027672, MeSH D009386, MONDO:0015356.
Cardiovascular phenotype. Identifiers: MedGen CN230736.

Allele frequency attached by ClinVar (database versions not stated): gnomAD exomes below 0.00001; TOPMed below 0.00001.
gnomAD v4.1: 2 of 1,613,462 alleles (0.00012%); highest among the groups gnomAD compares: Non-Finnish European, 0.00017%; no homozygotes.

Submission:

Ambry Genetics
Classification: Uncertain significance for Cardiovascular phenotype; Hereditary cancer-predisposing syndrome. Last evaluated: 2025-08-28. Review status: criteria provided, single submitter. Criteria: Ambry Variant Classification Scheme 2023. Collection method: clinical testing. Allele origin: germline.
Comment: The p.C833R variant (also known as c.2497T>C), located in coding exon 21 of the LZTR1 gene, results from a T to C substitution at nucleotide position 2497. The cysteine at codon 833 is replaced by arginine, an amino acid with highly dissimilar properties. This amino acid position is conserved. In addition, this alteration is predicted to be tolerated by in silico analysis. Since supporting evidence is limited at this time, the clinical significance of this alteration remains unclear.